The following continues an entry in ClinVar:

NM_000051.4(ATM):c.103C>T (p.Arg35Ter)

Gene: ATM. ClinVar aggregate classification (germline): Pathogenic/Likely pathogenic. Pathogenic (24); Likely pathogenic (2).

Submissions 11 to 27 of 29:

Baylor Genetics
Classification: Pathogenic for Familial cancer of breast. Last evaluated: 2024-03-09. Review status: criteria provided, single submitter. Criteria: ACMG Guidelines, 2015. Collection method: clinical testing. Allele origin: unknown.

Color Diagnostics, LLC DBA Color Health
Classification: Pathogenic for Hereditary cancer-predisposing syndrome. Last evaluated: 2024-02-20. Review status: criteria provided, single submitter. Criteria: ACMG Guidelines, 2015. Collection method: clinical testing. Allele origin: germline.
Comment: This variant changes 1 nucleotide in exon 3 of the ATM gene, creating a premature translation stop signal. This variant is expected to result in an absent or non-functional protein product. This variant has been reported in the homozygous state or compound heterozygous state with an additional pathogenic ATM variant in many individuals affected with ataxia-telangiectasia (PMID: 8968760, 9450906, 10873394, 12072877, 12815592, 21665257, 35154108) and has been described as a recurrent mutation in the North African Jewish population (PMID: 8968760). Cells derived from the carriers have shown increased radiosensitivity (PMID: 15101044, 17699107). In a large international case-control study, this variant was reported in 1/60466 breast cancer cases and 2/53461 controls (PMID: 33471991). This variant has been identified in 5/251230 chromosomes in the general population by the Genome Aggregation Database (gnomAD). Loss of ATM function is a known mechanism of disease. Based on the available evidence, this variant is classified as Pathogenic.

Myriad Genetics, Inc.
Classification: Pathogenic for Familial cancer of breast. Last evaluated: 2024-01-10. Review status: criteria provided, single submitter. Criteria: Myriad Autosomal Dominant, Autosomal Recessive and X-Linked Classification Criteria (2023). Collection method: clinical testing. Allele origin: unknown.
Comment: This variant is considered pathogenic. This variant creates a termination codon and is predicted to result in premature protein truncation.

Rady Children's Institute for Genomic Medicine, Rady Children's Hospital San Diego
Classification: Pathogenic for ATM-Related Disorders. Last evaluated: 2023-09-27. Review status: criteria provided, single submitter. Criteria: ACMG Guidelines, 2015. Collection method: clinical testing. Allele origin: germline. Affected: yes.
Comment: This nonsense variant found in exon 3 of 63 is predicted to result in loss of normal protein function through either protein truncation or nonsense-mediated mRNA decay. The c.103C>T (p.Arg35Ter) variant affects protein synthesis by truncating the ATM protein very close to its N-terminus (PMID: 8968760). Loss-of-function variation in ATM is an established mechanism of disease (PMID: 23807571, 26098866). Functional studies indicate heterozygotes with this variant may have reduced (approximately half) ATM protein expression (PMID: 34723800, 8968760). The c.103C>T (p.Arg35Ter) variant is a known Pathogenic variant that has been previously reported as a compound heterozygous and homozygous change in individuals with ataxia-telangiectasia (A-T) (PMID: 8968760, 15101044, 21665257) and has been reported in association with a higher risk for breast, prostate, and other forms of cancer (PMID: 31447099, 21665257, 32338768, 29506128, 30274973, 33436325). This variant is commonly reported in individuals of North African Jewish ancestry (PMID: 8968760). The c.103C>T (p.Arg35Ter) variant is present in the heterozygous state in the gnomAD population database at a frequency of 0.002% (5/251230) and thus is presumed to be rare. Based on the available evidence, c.103C>T (p.Arg35Ter) is classified as Pathogenic.

Institute for Clinical Genetics, University Hospital TU Dresden, University Hospital TU Dresden
Classification: Pathogenic. Last evaluated: 2022-06-29. Review status: criteria provided, single submitter. Criteria: ACMG Guidelines, 2015. Collection method: clinical testing. Allele origin: germline.
Comment: PVS1

3billion
Classification: Pathogenic for Ataxia-telangiectasia syndrome. Last evaluated: 2022-05-22. Review status: criteria provided, single submitter. Criteria: ACMG Guidelines, 2015. Collection method: clinical testing. Allele origin: germline. Affected: yes. Observed: 1 homozygote.
Comment: The variant is observed at an extremely low frequency in the gnomAD v2.1.1 dataset (total allele frequency: 0.002%). Stop-gained (nonsense): predicted to result in a loss or disruption of normal protein function through nonsense-mediated decay (NMD) or protein truncation. Multiple pathogenic variants are reported downstream of the variant. The variant has been reported at least twice as pathogenic with clinical assertions and evidence for the classification (ClinVar ID: VCV000003025 / PMID: 8968760). Therefore, this variant is classified as pathogenic according to the recommendation of ACMG/AMP guideline.

GeneDx
Classification: Pathogenic. Last evaluated: 2022-03-25. Review status: criteria provided, single submitter. Criteria: GeneDx Variant Classification Process June 2021. Collection method: clinical testing. Allele origin: germline. Affected: yes.
Comment: Nonsense variant predicted to result in protein truncation or nonsense mediated decay in a gene for which loss-of-function is a known mechanism of disease; Published functional studies demonstrate a damaging effect: loss of ATM protein and reduced cell survival when exposed to radiation compared to wild-type (Fernet 2003); Not observed at a significant frequency in large population cohorts (gnomAD); This variant is associated with the following publications: (PMID: 25525159, 8968760, 23322442, 12673797, 35154108, 29922827, 30549301, 30274973, 15101044, 10873394, 12815592, 12497634, 10330348, 9450906, 26778106, 12072877, 14695997, 18171990, 12745884, 28152038, 29506128, 31741144, 29915382, 31447099, 26896183, 33436325, 32338768)

Sema4
Classification: Pathogenic for Hereditary cancer-predisposing syndrome. Last evaluated: 2021-12-13. Review status: criteria provided, single submitter. Criteria: Sema4 Curation Guidelines. Collection method: curation. Allele origin: germline.
Comment: The ATM c.103C>T (p.R35X) variant has been reported as homozygous and as compound heterozygous in numerous individuals with ataxia telangiectasia (A-T) (PMID: 8968760, 29915382, 31741144). It has also been reported in individuals with breast cancer, exocrine pancreatic neoplasm, or early onset pancreatic ductal adenocarcinoma (PMID: 26845104, 30274973, 29506128). Functional studies have shown that this variant results in increased sensitivity to radiation-induced damage versus wild-type in homozygous A-T patient cells (PMID: 17699107, 15101044). This variant is a founder variant in the North African Jewish population (PMID: 8968760). This nonsense variant creates a premature stop codon at residue 35 of the ATM protein. Loss of function variants in ATM are known to be pathogenic (PMID: 31050087). It was observed in 3/34578 chromosomes of the Latino subpopulation in the large and broad cohorts of the Genome Aggregation Database (PMID: 32461654). This variant has been reported in ClinVar (Variation ID: 3025). Based on the current evidence available, this variant is interpreted as pathogenic.

CeGaT Center for Human Genetics Tuebingen
Classification: Pathogenic. Last evaluated: 2020-12-01. Review status: criteria provided, single submitter. Criteria: CeGaT Center For Human Genetics Tuebingen Variant Classification Criteria Version 2. Collection method: clinical testing. Allele origin: germline. Affected: yes. Observed: 1 variant allele.

Institute of Medical Genetics and Applied Genomics, University Hospital Tübingen
Classification: Pathogenic. Last evaluated: 2020-10-23. Review status: criteria provided, single submitter. Criteria: ACMG Guidelines, 2015. Collection method: clinical testing. Allele origin: germline. Inheritance: Autosomal unknown. Affected: yes.

Department of Pathology and Laboratory Medicine, Sinai Health System
Classification: Pathogenic for Familial cancer of breast. Last evaluated: 2019-12-13. Review status: criteria provided, single submitter. Criteria: ACMG Guidelines, 2015. Collection method: clinical testing. Allele origin: germline. Affected: yes.

Mendelics
Classification: Pathogenic for Ataxia-telangiectasia syndrome. Last evaluated: 2018-07-02. Review status: criteria provided, single submitter. Criteria: Mendelics Assertion Criteria 2017. Collection method: clinical testing. Allele origin: unknown.

Eurofins Ntd Llc (ga)
Classification: Pathogenic. Last evaluated: 2018-05-25. Review status: criteria provided, single submitter. Criteria: EGL ClinVar v180209 classification definitions. Collection method: clinical testing. Allele origin: germline. Observed: 1 variant allele, 1 heterozygote.

Women's Health and Genetics/Laboratory Corporation of America, LabCorp
Classification: Pathogenic for Ataxia-telangiectasia syndrome. Last evaluated: 2018-05-09. Review status: criteria provided, single submitter. Criteria: LabCorp Variant Classification Summary - May 2015. Collection method: clinical testing. Allele origin: germline.
Comment: Variant summary: Variant summary: The ATM c.103C>T (p.Arg35X) variant results in a premature termination codon, predicted to cause a truncated or absent ATM protein due to nonsense mediated decay, which are commonly known mechanisms for disease. Truncations downstream of this position have been classified as pathogenic by our laboratory (e.g. c.513C>G, p.Tyr171X; c.790delT, p.Tyr264fsX12; c.1027_1030delGAAA, p.Glu343fsX2). One in silico tool predicts a damaging outcome for this variant. This variant was found in 8/246618 control chromosomes at a frequency of 0.0000324, which does not exceed the estimated maximal expected allele frequency of a pathogenic ATM variant (0.0039528). The variant was reported in numerous affected individuals in the literature, and is known as a North African Jewish founder mutation. In addition, multiple clinical diagnostic laboratories/reputable databases classified this variant as pathogenic. Taken together, this variant is classified as pathogenic.

University of Washington Department of Laboratory Medicine, University of Washington
Classification: Likely pathogenic for Hereditary cancer-predisposing syndrome. Last evaluated: 2015-11-20. Review status: criteria provided, single submitter. Criteria: Shirts et al. (Genet Med 2016). Collection method: clinical testing. Allele origin: germline. Affected: yes. Observed: 1 variant allele.

Genetic Services Laboratory, University of Chicago
Classification: Pathogenic for Ataxia-telangiectasia. Last evaluated: 2014-06-27. Review status: criteria provided, single submitter. Criteria: ACMG Guidelines, 2015. Collection method: clinical testing. Allele origin: germline. Affected: yes.

GeneReviews
Classification: Pathogenic for Ataxia-telangiectasia syndrome. Last evaluated: 2016-10-27. Review status: no assertion criteria provided. Collection method: literature only. Allele origin: germline. Affected: yes. Not counted in ClinVar's aggregate classification.